The following is an entry in ClinVar:

NM_004725.4(BUB3):c.940C>T (p.Arg314Cys)

Gene: BUB3 (BUB3 mitotic checkpoint protein; plus strand). Cytogenetic location: 10q26.13.
Variant type: single nucleotide variant.
Coding change: c.940C>T on transcript NM_004725.4 (MANE Select); coding-DNA position 940, C replaced by T.
Protein change: p.Arg314Cys; replaces arginine 314 with cysteine.
Molecular consequence: missense variant.
Genome position (GRCh38, 1-based): chr10:123,162,797, C>T. VCF-style: chr10-123162797-C-T. GRCh37 (hg19) VCF-style: chr10-124922313-C-T.
Other names: c.940C>T, p.Arg314Cys (NM_001007793.3); short protein forms R314C.
Identifiers: ClinVar variation 1766876 (VCV001766876.3), dbSNP rs2493767337, ClinGen allele CA378627256.

ClinVar aggregate classification (germline): Uncertain significance (1 of 4 stars; one submission).

Allele frequency attached by ClinVar (database versions not stated): gnomAD exomes below 0.00001.

Submission:

Ambry Genetics
Classification: Uncertain significance. Last evaluated: 2024-09-26. Review status: criteria provided, single submitter. Criteria: Ambry Variant Classification Scheme 2023. Collection method: clinical testing. Allele origin: germline.
Comment: The p.R314C variant (also known as c.940C>T), located in coding exon 6 of the BUB3 gene, results from a C to T substitution at nucleotide position 940. The arginine at codon 314 is replaced by cysteine, an amino acid with highly dissimilar properties. This amino acid position is conserved. In addition, this alteration is predicted to be deleterious by in silico analysis. Since supporting evidence is limited at this time, the clinical significance of this alteration remains unclear.